The following is an entry in ClinVar:

ClinVar aggregate classification (germline): Benign. Review status: criteria provided, single submitter (1 of 4 stars). 2 submissions from 1 submitter: Benign (2). Last evaluated 2018-01-12.

Conditions:
Craniometaphyseal dysplasia, autosomal dominant (CMDD). Identifiers: Orphanet 1522, MedGen C1852502, MONDO:0007397, OMIM 123000.
Chondrocalcinosis 2. Also called: CALCIUM GOUT; CALCIUM PYROPHOSPHATE ARTHROPATHY; Familial calcium pyrophosphate deposition. Identifiers: Orphanet 1416, MedGen C0856830, MONDO:0007319, OMIM 118600.

Allele frequency attached by ClinVar (database versions not stated): gnomAD 0.00001 and 0.00010; TOPMed 0.00002; 1000 Genomes Project 30x 0.00031; 1000 Genomes Project 0.00040.

Submissions (2):

Illumina Laboratory Services, Illumina
Classification: Benign for Craniometaphyseal dysplasia, autosomal dominant. Last evaluated: 2018-01-12. Review status: criteria provided, single submitter. Criteria: ICSL Variant Classification Criteria 13 December 2019. Collection method: clinical testing. Allele origin: germline.
Comment: This variant was observed in the ICSL laboratory as part of a predisposition screen in an ostensibly healthy population. It had not been previously curated by ICSL or reported in the Human Gene Mutation Database (HGMD: prior to June 1st, 2018), and was therefore a candidate for classification through an automated scoring system. Utilizing variant allele frequency, disease prevalence and penetrance estimates, and inheritance mode, an automated score was calculated to assess if this variant is too frequent to cause the disease. Based on the score and internal cut-off values, a variant classified as benign is not then subjected to further curation. The score for this variant resulted in a classification of benign for this disease.

Illumina Laboratory Services, Illumina
Classification: Benign for Chondrocalcinosis 2. Last evaluated: 2018-01-12. Review status: criteria provided, single submitter. Criteria: ICSL Variant Classification Criteria 13 December 2019. Collection method: clinical testing. Allele origin: germline.
Comment: the same text as in the submission from Illumina Laboratory Services, Illumina above.

NM_054027.6(ANKH):c.*3698T>A

Genes: ANKH (ANKH inorganic pyrophosphate transport regulator; minus strand), OTULIN (OTU deubiquitinase with linear linkage specificity; plus strand). Cytogenetic location: 5p15.2.
Variant type: single nucleotide variant.
Coding change: c.*3698T>A on transcript NM_054027.6 (MANE Select); 3698 bases downstream of the stop codon, T replaced by A.
Molecular consequence: 3 prime UTR variant.
Genome position (GRCh38, 1-based): chr5:14,707,499, A>T on the plus strand (T>A on the coding strand, the complement: ANKH is on the minus strand). VCF-style: chr5-14707499-A-T. GRCh37 (hg19) VCF-style: chr5-14707608-A-T.
Identifiers: ClinVar variation 351429 (VCV000351429.5), dbSNP rs563873078, ClinGen allele CA10620478.